The following is an entry in ClinVar:

NM_000038.6(APC):c.1279C>A (p.His427Asn)

Gene: APC (APC regulator of Wnt signaling pathway; plus strand). Cytogenetic location: 5q22.2.
Variant type: single nucleotide variant.
Coding change: c.1279C>A on transcript NM_000038.6 (MANE Select); coding-DNA position 1279, C replaced by A.
Protein change: p.His427Asn; replaces histidine 427 with asparagine.
Molecular consequence: missense variant.
Genome position (GRCh38, 1-based): chr5:112,819,311, C>A. VCF-style: chr5-112819311-C-A. GRCh37 (hg19) VCF-style: chr5-112155008-C-A.
Other names: p.H427N:CAT>AAT; c.1279C>A, p.His427Asn (NM_001127510.3, NM_001354895.2, NM_001354896.2); c.1225C>A, p.His409Asn (NM_001127511.3); c.1309C>A, p.His437Asn (NM_001354897.2); c.1204C>A, p.His402Asn (NM_001354898.2); c.1195C>A, p.His399Asn (NM_001354899.2); c.1102C>A, p.His368Asn (NM_001354900.2, NM_001354901.2); c.1006C>A, p.His336Asn (NM_001354902.2); and 4 more; short protein forms H427N, H409N, H267N, H326N, H399N, H402N, H144N, H301N.
Identifiers: ClinVar variation 127276 (VCV000127276.29), dbSNP rs587779781, ClinGen allele CA004122.
Genomic context (GRCh38, chr5:112,819,311, plus strand): 5'-CTTCATCTTTTGGAACAGATACGCGCTTACTGTGAAACCTGTTGGGAGTGGCAGGAAGCT[C>A]ATGAACCAGGCATGGACCAGGACAAAAATCCAAGTATGTTCTCTATAGTGTACATCGTAG-3'
Protein context (NP_000029.2, residues 417-437): CETCWEWQEA[His427Asn]EPGMDQDKNP

ClinVar aggregate classification (germline): Uncertain significance. Review status: criteria provided, multiple submitters, no conflicts (2 of 4 stars). 10 submissions from 10 submitters: Uncertain significance (10). Last evaluated 2025-06-24.

Conditions:
Classic or attenuated familial adenomatous polyposis. Identifiers: MedGen CN372698, MONDO:0021057.
Hereditary cancer-predisposing syndrome. Also called: Hereditary Cancer Syndrome; Hereditary neoplastic syndrome; Tumor predisposition; Neoplastic Syndromes, Hereditary. Identifiers: Orphanet 140162, MedGen C0027672, MeSH D009386, MONDO:0015356.
Familial adenomatous polyposis 1 (FAP1). Also called: FAMILIAL ADENOMATOUS POLYPOSIS 1, ATTENUATED; POLYPOSIS, ADENOMATOUS INTESTINAL. Identifiers: MedGen C2713442, MONDO:0021056, OMIM 175100. Disease mechanism: loss of function.

Allele frequency attached by ClinVar (database versions not stated): TOPMed below 0.00001.
gnomAD v4.1: 41 of 1,614,006 alleles (0.0025%); highest among the groups gnomAD compares: Non-Finnish European, 0.0034%; no homozygotes.

Submissions (10):

Labcorp Genetics (formerly Invitae), Labcorp
Classification: Uncertain significance for Familial adenomatous polyposis 1. Last evaluated: 2025-06-24. Review status: criteria provided, single submitter. Criteria: Invitae Variant Classification Sherloc (09022015). Collection method: clinical testing. Allele origin: germline.
Comment: This sequence change replaces histidine, which is basic and polar, with asparagine, which is neutral and polar, at codon 427 of the APC protein (p.His427Asn). This variant is present in population databases (rs587779781, gnomAD 0.003%). This missense change has been observed in individual(s) with a personal or family history of breast and/or ovarian cancer (PMID: 31159747). ClinVar contains an entry for this variant (Variation ID: 127276). Invitae Evidence Modeling of protein sequence and biophysical properties (such as structural, functional, and spatial information, amino acid conservation, physicochemical variation, residue mobility, and thermodynamic stability) indicates that this missense variant is not expected to disrupt APC protein function with a negative predictive value of 95%. In summary, the available evidence is currently insufficient to determine the role of this variant in disease. Therefore, it has been classified as a Variant of Uncertain Significance.

Center for Genomic Medicine, Rigshospitalet, Copenhagen University Hospital
Classification: Uncertain significance. Last evaluated: 2025-03-04. Review status: criteria provided, single submitter. Criteria: ACMG Guidelines, 2015. Collection method: clinical testing. Allele origin: germline.

Women's Health and Genetics/Laboratory Corporation of America, LabCorp
Classification: Uncertain significance. Last evaluated: 2024-11-21. Review status: criteria provided, single submitter. Criteria: LabCorp Variant Classification Summary - May 2015. Collection method: clinical testing. Allele origin: germline.
Comment: Variant summary: APC c.1279C>A (p.His427Asn) results in a conservative amino acid change located in the adenomatous polyposis coli (APC) repeat (IPR041257) of the encoded protein sequence. Three of five in-silico tools predict a damaging effect of the variant on protein function. The variant allele was found at a frequency of 1.2e-05 in 250682 control chromosomes (gnomAD). The available data on variant occurrences in the general population are insufficient to allow any conclusion about variant significance. c.1279C>A has been reported in the literature in individuals affected with prostate cancer and with a family history of breast and/or ovarian cancer (examples: Mateo_2020, Tsaousis_2019). These report(s) do not provide unequivocal conclusions about association of the variant with familial adenomatous polyposis. To our knowledge, no experimental evidence demonstrating an impact on protein function has been reported. The following publications have been ascertained in the context of this evaluation (PMID: 31874108, 31159747). ClinVar contains an entry for this variant (Variation ID: 127276). Based on the evidence outlined above, the variant was classified as uncertain significance.

Ambry Genetics
Classification: Uncertain significance for Hereditary cancer-predisposing syndrome. Last evaluated: 2024-04-30. Review status: criteria provided, single submitter. Criteria: Ambry Variant Classification Scheme 2023. Collection method: clinical testing. Allele origin: germline.
Comment: The p.H427N variant (also known as c.1279C>A), located in coding exon 9 of the APC gene, results from a C to A substitution at nucleotide position 1279. The histidine at codon 427 is replaced by asparagine, an amino acid with similar properties. This variant was reported as a variant of unknown significance in 1/1197 individuals from Greece, Romania, and Turkey undergoing evaluation for inherited cancer predisposition (Tsaousis GN et al. BMC Cancer, 2019 Jun;19:535). This amino acid position is highly conserved in available vertebrate species. In addition, in silico predictors for this gene do not accurately predict pathogenicity. Based on the available evidence, the clinical significance of this variant remains unclear.

All of Us Research Program, National Institutes of Health
Classification: Uncertain significance for Classic or attenuated familial adenomatous polyposis. Last evaluated: 2024-04-10. Review status: criteria provided, single submitter. Criteria: ACMG Guidelines, 2015. Collection method: clinical testing. Allele origin: germline. Inheritance: Autosomal dominant inheritance. Observed: 1 variant allele, 1 heterozygote.
Comment: This study involves interpretation of variants in research participants for the purpose of population health screening. Participant phenotype was not available at the time of variant classification. Additional details can be found in publication PMID: 35346344, PMCID: PMC8962531

Color Diagnostics, LLC DBA Color Health
Classification: Uncertain significance for Hereditary cancer-predisposing syndrome. Last evaluated: 2023-12-11. Review status: criteria provided, single submitter. Criteria: ACMG Guidelines, 2015. Collection method: clinical testing. Allele origin: germline.
Comment: This missense variant replaces histidine with asparagine at codon 427 of the APC protein. Computational prediction is inconclusive regarding the impact of this variant on protein structure and function (internally defined REVEL score threshold 0.5 < inconclusive < 0.7, PMID: 27666373). To our knowledge, functional studies have not been reported for this variant. This variant has not been reported in individuals affected with APC-related disorders in the literature. This variant has been identified in 3/250682 chromosomes in the general population by the Genome Aggregation Database (gnomAD). The available evidence is insufficient to determine the role of this variant in disease conclusively. Therefore, this variant is classified as a Variant of Uncertain Significance.

Sema4
Classification: Uncertain significance for Hereditary cancer-predisposing syndrome. Last evaluated: 2021-12-27. Review status: criteria provided, single submitter. Criteria: Sema4 Curation Guidelines. Collection method: curation. Allele origin: germline.
Comment: To the best of our knowledge, the APC c.1279C>A (p.H427N) variant has not been reported in individuals with APC-related disease. It was observed in 3/113184 chromosomes of the European (non-Finnish) subpopulation in the large and broad cohorts of the Genome Aggregation Database (PMID: 32461654). This variant has been reported in ClinVar (Variation ID: 127276). Functional studies have not been performed, and in silico predictions of the variant's effect on protein function are inconclusive. The evidence is insufficient to meet ACMG/AMP criteria for classifying the variant as benign or pathogenic. Thus, the clinical significance of this variant is currently uncertain.

GeneDx
Classification: Uncertain significance. Last evaluated: 2018-12-10. Review status: criteria provided, single submitter. Criteria: GeneDx Variant Classification (06012015). Collection method: clinical testing. Allele origin: germline. Affected: yes.
Comment: This variant is denoted APC c.1279C>A at the cDNA level, p.His427Asn (H427N) at the protein level, and results in the change of a Histidine to an Asparagine (CAT>AAT). This variant has not, to our knowledge, been published in the literature as a pathogenic or benign germline variant. APC His427Asn was not observed at a significant allele frequency in large population cohorts (Lek 2016). This variant is not located in a known functional domain. In silico analysis, which includes protein predictors and evolutionary conservation, supports a deleterious effect. Based on currently available evidence, it is unclear whether APC His427Asn is a pathogenic or benign variant. We consider it to be a variant of uncertain significance.

GeneKor MSA
Classification: Uncertain significance for Hereditary cancer-predisposing syndrome. Last evaluated: 2018-08-01. Review status: criteria provided, single submitter. Criteria: ACMG Guidelines, 2015. Collection method: clinical testing. Allele origin: germline.

Quest Diagnostics Nichols Institute San Juan Capistrano
Classification: Uncertain significance. Last evaluated: 2017-01-26. Review status: criteria provided, single submitter. Criteria: Quest Diagnostics criteria. Collection method: clinical testing. Allele origin: germline.

Literature cited by the submitters: PubMed 31159747 (cited by 3 submitters); PubMed 31874108 (cited by Women's Health and Genetics/Laboratory Corporation of America, LabCorp).